The following is an entry in ClinVar:

NM_000817.3(GAD1):c.253G>A (p.Asp85Asn)

Gene: GAD1 (glutamate decarboxylase 1; plus strand). Cytogenetic location: 2q31.1.
Variant type: single nucleotide variant.
Coding change: c.253G>A on transcript NM_000817.3 (MANE Select); coding-DNA position 253, G replaced by A.
Protein change: p.Asp85Asn; replaces aspartic acid 85 with asparagine.
Molecular consequence: missense variant.
Genome position (GRCh38, 1-based): chr2:170,829,582, G>A. VCF-style: chr2-170829582-G-A. GRCh37 (hg19) VCF-style: chr2-171686092-G-A.
Other names: c.253G>A, p.Asp85Asn (NM_013445.4); short protein forms D85N.
Identifiers: ClinVar variation 3635317 (VCV003635317.2).
Genomic context (GRCh38, chr2:170,829,582, plus strand): 5'-AGTGCCTTCAAGGAGAGGCAATCCTCCAAGAACCTGCTTTCCTGTGAAAACAGCGACCGG[G>A]ATGCCCGCTTCCGGCGCACAGAGACTGACTTCTCTAATCTGTTTGCTAGAGGTAGCCCCT-3'
Protein context (NP_000808.2, residues 75-95): NLLSCENSDR[Asp85Asn]ARFRRTETDF

ClinVar aggregate classification (germline): Uncertain significance (1 of 4 stars; one submission).

Conditions:
Neurodevelopmental disorder with progressive spasticity and brain white matter abnormalities. Also called: CEREBRAL PALSY, SPASTIC QUADRIPLEGIC, 1. Identifiers: Orphanet 210141, Orphanet 641353, MedGen C5436628, MONDO:0033613, OMIM 619026.

gnomAD v4.1: 4 of 1,613,862 alleles (0.00025%); highest among the groups gnomAD compares: Middle Eastern, 0.017%; no homozygotes.

Submission:

Labcorp Genetics (formerly Invitae), Labcorp
Classification: Uncertain significance for Neurodevelopmental disorder with progressive spasticity and brain white matter abnormalities. Last evaluated: 2024-07-15. Review status: criteria provided, single submitter. Criteria: Invitae Variant Classification Sherloc (09022015). Collection method: clinical testing. Allele origin: germline.
Comment: This sequence change replaces aspartic acid, which is acidic and polar, with asparagine, which is neutral and polar, at codon 85 of the GAD1 protein (p.Asp85Asn). This variant is present in population databases (rs778827123, gnomAD 0.002%). This variant has not been reported in the literature in individuals affected with GAD1-related conditions. An algorithm developed to predict the effect of missense changes on protein structure and function (PolyPhen-2) suggests that this variant is likely to be tolerated. In summary, the available evidence is currently insufficient to determine the role of this variant in disease. Therefore, it has been classified as a Variant of Uncertain Significance.